The following is an entry in ClinVar:

ClinVar aggregate classification (germline): Uncertain significance (1 of 4 stars; one submission).

gnomAD v4.1: 1 of 1,614,202 alleles (0.000062%); highest among the groups gnomAD compares: Non-Finnish European, 0.000085%; no homozygotes.

Submission:

Labcorp Genetics (formerly Invitae), Labcorp
Classification: Uncertain significance. Last evaluated: 2025-08-10. Review status: criteria provided, single submitter. Criteria: Invitae Variant Classification Sherloc (09022015). Collection method: clinical testing. Allele origin: germline.
Comment: This sequence change replaces isoleucine, which is neutral and non-polar, with phenylalanine, which is neutral and non-polar, at codon 731 of the MYH3 protein (p.Ile731Phe). This variant is not present in population databases (gnomAD no frequency). This variant has not been reported in the literature in individuals affected with MYH3-related conditions. Invitae Evidence Modeling of protein sequence and biophysical properties (such as structural, functional, and spatial information, amino acid conservation, physicochemical variation, residue mobility, and thermodynamic stability) has been performed for this missense variant. However, the output from this modeling did not meet the statistical confidence thresholds required to predict the impact of this variant on MYH3 protein function. In summary, the available evidence is currently insufficient to determine the role of this variant in disease. Therefore, it has been classified as a Variant of Uncertain Significance.

NM_002470.4(MYH3):c.2191A>T (p.Ile731Phe)

Gene: MYH3 (myosin heavy chain 3; minus strand). Cytogenetic location: 17p13.1.
Variant type: single nucleotide variant.
Coding change: c.2191A>T on transcript NM_002470.4 (MANE Select); coding-DNA position 2191, A replaced by T.
Protein change: p.Ile731Phe; replaces isoleucine 731 with phenylalanine.
Molecular consequence: missense variant.
Genome position (GRCh38, 1-based): chr17:10,640,661, T>A on the plus strand (A>T on the coding strand, the complement: MYH3 is on the minus strand). VCF-style: chr17-10640661-T-A. GRCh37 (hg19) VCF-style: chr17-10543978-T-A.
Other names: short protein forms I731F.
Identifiers: ClinVar variation 4760597 (VCV004760597.1).